The following is an entry in ClinVar:

NM_001001331.4(ATP2B2):c.1604T>C (p.Met535Thr)

Gene: ATP2B2 (ATPase plasma membrane Ca2+ transporting 2; minus strand). Cytogenetic location: 3p25.3.
Variant type: single nucleotide variant.
Coding change: c.1604T>C on transcript NM_001001331.4 (MANE Select); coding-DNA position 1604, T replaced by C.
Protein change: p.Met535Thr; replaces methionine 535 with threonine.
Molecular consequence: missense variant.
Genome position (GRCh38, 1-based): chr3:10,371,864, A>G on the plus strand (T>C on the coding strand, the complement: ATP2B2 is on the minus strand). VCF-style: chr3-10371864-A-G. GRCh37 (hg19) VCF-style: chr3-10413548-A-G.
Other names: c.1469T>C, p.Met490Thr (NM_001330611.3, NM_001353564.1, NM_001363862.1 and 2 more transcripts); c.1511T>C, p.Met504Thr (NM_001438646.1); c.1469T>C (NM_001683.3); short protein forms M504T, M535T, M490T.
Identifiers: ClinVar variation 4698944 (VCV004698944.2).

ClinVar aggregate classification (germline): Uncertain significance. Review status: criteria provided, multiple submitters, no conflicts (2 of 4 stars). 2 submissions from 2 submitters: Uncertain significance (2). Last evaluated 2025-07-27.

Conditions:
ATP2B2-related disorder. Also called: ATP2B2-related condition.

gnomAD v4.1: 3 of 1,614,122 alleles (0.00019%); highest among the groups gnomAD compares: Admixed American, 0.0033%; no homozygotes.

Submissions (2):

Labcorp Genetics (formerly Invitae), Labcorp
Classification: Uncertain significance. Last evaluated: 2025-07-27. Review status: criteria provided, single submitter. Criteria: Invitae Variant Classification Sherloc (09022015). Collection method: clinical testing. Allele origin: germline.
Comment: This sequence change replaces methionine, which is neutral and non-polar, with threonine, which is neutral and polar, at codon 490 of the ATP2B2 protein (p.Met490Thr). This variant is not present in population databases (gnomAD no frequency). This variant has not been reported in the literature in individuals affected with ATP2B2-related conditions. Invitae Evidence Modeling of protein sequence and biophysical properties (such as structural, functional, and spatial information, amino acid conservation, physicochemical variation, residue mobility, and thermodynamic stability) indicates that this missense variant is not expected to disrupt ATP2B2 protein function with a negative predictive value of 80%. In summary, the available evidence is currently insufficient to determine the role of this variant in disease. Therefore, it has been classified as a Variant of Uncertain Significance.

PreventionGenetics, part of Exact Sciences
Classification: Uncertain significance for ATP2B2-related condition. Last evaluated: 2025-03-26. Review status: criteria provided, single submitter. Criteria: ACMG Guidelines, 2015. Collection method: clinical testing. Allele origin: germline.
Comment: The ATP2B2 c.1469T>C variant is predicted to result in the amino acid substitution p.Met490Thr. To our knowledge, this variant has not been reported in the literature or in a large population database (gnomAD), indicating this variant is rare. At this time, the clinical significance of this variant is uncertain due to the absence of conclusive functional and genetic evidence.